The following is an entry in ClinVar:

NM_001040108.2(MLH3):c.1286A>T (p.Glu429Val)

Gene: MLH3 (mutL homolog 3; minus strand). Cytogenetic location: 14q24.3.
Variant type: single nucleotide variant.
Coding change: c.1286A>T on transcript NM_001040108.2 (MANE Select); coding-DNA position 1286, A replaced by T.
Protein change: p.Glu429Val; replaces glutamic acid 429 with valine.
Molecular consequence: missense variant.
Genome position (GRCh38, 1-based): chr14:75,048,370, T>A on the plus strand (A>T on the coding strand, the complement: MLH3 is on the minus strand). VCF-style: chr14-75048370-T-A. GRCh37 (hg19) VCF-style: chr14-75515073-T-A.
Other names: c.1286A>T, p.Glu429Val (NM_014381.3); short protein forms E429V.
Identifiers: ClinVar variation 1768971 (VCV001768971.3), dbSNP rs2503299398, ClinGen allele CA390446634.
Genomic context (GRCh38, chr14:75,048,370, plus strand): 5'-CCTGGACCACCTGATTCATAAATGTACAAAAATGCATCATTTGTATTTTTTCTGGTAGCT[T>A]CTGAATCCCTAGAACTCTGTGTGTTTACGTTTTCTGCAGTAGTTTTTCTTTTCACAGCTT-3'
Protein context (NP_001035197.1, residues 419-439): NVNTQSSRDS[Glu429Val]ATRKNTNDAF

ClinVar aggregate classification (germline): Uncertain significance (1 of 4 stars; one submission).

Submission:

Ambry Genetics
Classification: Uncertain significance. Last evaluated: 2025-02-06. Review status: criteria provided, single submitter. Criteria: Ambry Variant Classification Scheme 2023. Collection method: clinical testing. Allele origin: germline.
Comment: The p.E429V variant (also known as c.1286A>T), located in coding exon 1 of the MLH3 gene, results from an A to T substitution at nucleotide position 1286. The glutamic acid at codon 429 is replaced by valine, an amino acid with dissimilar properties. This amino acid position is conserved. In addition, this alteration is predicted to be tolerated by in silico analysis. Since supporting evidence is limited at this time, the clinical significance of this alteration remains unclear.